The following is an entry in ClinVar:

ClinVar aggregate classification (germline): Uncertain significance (1 of 4 stars; one submission).

Conditions:
Inborn genetic diseases. Identifiers: MedGen C0950123, MeSH D030342.

gnomAD v4.1: 3 of 1,614,136 alleles (0.00019%); highest among the groups gnomAD compares: Admixed American, 0.005%; no homozygotes.

Submission:

Ambry Genetics
Classification: Uncertain significance for Inborn genetic diseases. Last evaluated: 2026-05-10. Review status: criteria provided, single submitter. Criteria: Ambry Variant Classification Scheme 2023. Collection method: clinical testing. Allele origin: germline.
Comment: The c.4222A>G (p.N1408D) alteration is located in exon 33 (coding exon 32) of the CIT gene. This alteration results from a A to G substitution at nucleotide position 4222, causing the asparagine (N) at amino acid position 1408 to be replaced by an aspartic acid (D). Based on data from gnomAD, the G allele has an overall frequency of 0.001% (3/251228) total alleles studied. The highest observed frequency was 0.009% (3/34500) of Latino alleles. Based on insufficient or conflicting evidence, the clinical significance of this alteration remains unclear.

NM_001206999.2(CIT):c.4222A>G (p.Asn1408Asp)

Gene: CIT (citron rho-interacting serine/threonine kinase; minus strand). Cytogenetic location: 12q24.23.
Variant type: single nucleotide variant.
Coding change: c.4222A>G on transcript NM_001206999.2 (MANE Select); coding-DNA position 4222, A replaced by G.
Protein change: p.Asn1408Asp; replaces asparagine 1408 with aspartic acid.
Molecular consequence: missense variant.
Genome position (GRCh38, 1-based): chr12:119,714,281, T>C on the plus strand (A>G on the coding strand, the complement: CIT is on the minus strand). VCF-style: chr12-119714281-T-C. GRCh37 (hg19) VCF-style: chr12-120152086-T-C.
Other names: c.4096A>G, p.Asn1366Asp (NM_007174.3); short protein forms N1366D, N1408D.
Identifiers: ClinVar variation 4868985 (VCV004868985.1).